The following is an entry in ClinVar:

ClinVar aggregate classification (germline): Benign/Likely benign. Review status: criteria provided, multiple submitters, no conflicts (2 of 4 stars). 2 submissions from 2 submitters: Benign (1); Likely benign (1). Last evaluated 2025-03-26.

Conditions:
Hereditary cancer-predisposing syndrome. Also called: Neoplastic Syndromes, Hereditary; Hereditary Cancer Syndrome; Hereditary neoplastic syndrome; Tumor predisposition. Identifiers: Orphanet 140162, MedGen C0027672, MeSH D009386, MONDO:0015356.
Peutz-Jeghers syndrome (PJS). Also called: Peutz-Jeghers polyposis; Periorificial lentiginosis syndrome; POLYPOSIS, HAMARTOMATOUS INTESTINAL; POLYPS-AND-SPOTS SYNDROME. Identifiers: Orphanet 2869, MedGen C0031269, MeSH D010580, MONDO:0008280, OMIM 175200.

Allele frequency attached by ClinVar (database versions not stated): gnomAD exomes below 0.00001; TOPMed below 0.00001; ExAC 0.00001; gnomAD 0.00001; ESP Exome Variant Server 0.00008.
gnomAD v4.1: 2 of 1,604,458 alleles (0.00012%); highest among the groups gnomAD compares: Non-Finnish European, 0.00017%; no homozygotes.

Submissions (2):

Myriad Genetics, Inc.
Classification: Benign for Peutz-Jeghers syndrome. Last evaluated: 2025-03-26. Review status: criteria provided, single submitter. Criteria: Myriad Autosomal Dominant, Autosomal Recessive and X-Linked Classification Criteria (2023). Collection method: clinical testing. Allele origin: unknown.
Comment: This variant is considered benign. This variant is a silent/synonymous amino acid change and it is not expected to impact splicing.

Ambry Genetics
Classification: Likely benign for Hereditary cancer-predisposing syndrome. Last evaluated: 2018-12-20. Review status: criteria provided, single submitter. Criteria: Ambry Variant Classification Scheme 2023. Collection method: clinical testing. Allele origin: germline.

NM_000455.5(STK11):c.495G>A (p.Glu165=)

Gene: STK11 (serine/threonine kinase 11; plus strand). Cytogenetic location: 19p13.3.
Variant type: single nucleotide variant.
Coding change: c.495G>A on transcript NM_000455.5 (MANE Select); coding-DNA position 495, G replaced by A.
Protein change: p.Glu165=; no amino-acid change (glutamic acid 165 retained).
Molecular consequence: synonymous variant.
Genome position (GRCh38, 1-based): chr19:1,220,403, G>A. VCF-style: chr19-1220403-G-A. GRCh37 (hg19) VCF-style: chr19-1220402-G-A.
Identifiers: ClinVar variation 825322 (VCV000825322.5), dbSNP rs370446299, ClinGen allele CA047962.